The following is an entry in ClinVar:

ClinVar aggregate classification (germline): Pathogenic (1 of 4 stars; one submission).

Conditions:
Sjögren-Larsson syndrome (SLS). Also called: FALDH DEFICIENCY; FATTY ALCOHOL:NAD+ OXIDOREDUCTASE DEFICIENCY; FATTY ALDEHYDE DEHYDROGENASE DEFICIENCY; ICHTHYOSIS, SPASTIC NEUROLOGIC DISORDER, AND OLIGOPHRENIA. Identifiers: Orphanet 816, MedGen C0037231, MONDO:0010031, OMIM 270200.

Submission:

Myriad Genetics, Inc.
Classification: Pathogenic for Sjögren-Larsson syndrome. Last evaluated: 2023-09-27. Review status: criteria provided, single submitter. Criteria: Myriad Autosomal Dominant, Autosomal Recessive and X-Linked Classification Criteria (2023). Collection method: clinical testing. Allele origin: unknown.
Comment: NM_000382.2(ALDH3A2):c.48dupG(S17Vfs*37) is expected to be pathogenic in the context of Sjogren-Larsson syndrome. This variant is predicted to lead to an abnormal or absent protein product due to the creation of a premature termination codon in ALDH3A2, a gene where loss-of-function variants are known to be pathogenic. Please note: this variant was assessed in the context of healthy population screening.

NM_000382.3(ALDH3A2):c.48dup (p.Ser17fs)

Gene: ALDH3A2 (aldehyde dehydrogenase 3 family member A2; plus strand). Cytogenetic location: 17p11.2.
Variant type: Duplication.
Coding change: c.48dup on transcript NM_000382.3 (MANE Select); coding-DNA position 48, one base duplicated (G; older notation c.48dupG).
Protein change: p.Ser17fs; shifts the reading frame from serine 17.
Molecular consequence: frameshift variant. On other transcripts: 5 prime UTR variant (1).
Genome position (GRCh38, 1-based): chr17:19,649,019, G duplicated; the last of 2 consecutive G bases (chr17:19,649,018-19,649,019); duplicating either gives the same sequence. VCF-style (leftmost placement, unchanged base first): chr17-19649017-C-CG. GRCh37 (hg19) VCF-style: chr17-19552330-C-CG.
Other names: c.48dup, p.Ser17fs (NM_001031806.2, NM_001369136.1, NM_001369137.2 and 3 more transcripts); c.-641dup (NM_001369148.2); short protein forms S17fs.
Identifiers: ClinVar variation 5011976 (VCV005011976.1).